The following is an entry in ClinVar:

ClinVar aggregate classification (germline): Pathogenic/Likely pathogenic. Review status: criteria provided, multiple submitters, no conflicts (2 of 4 stars). 3 submissions from 3 submitters: Pathogenic (2); Likely pathogenic (1). Last evaluated 2025-11-24.

Conditions:
Bethlem myopathy 2 (BTHLM2). Identifiers: Orphanet 536516, Orphanet 610, MedGen C4225313, MONDO:0034022, OMIM 616471.
Ullrich congenital muscular dystrophy 2 (UCMD2). Identifiers: Orphanet 75840, MedGen C4225314, MONDO:0014654, OMIM 616470.

Submissions (3):

GeneDx
Classification: Likely pathogenic. Last evaluated: 2025-11-24. Review status: criteria provided, single submitter. Criteria: GeneDx Variant Classification Process June 2021. Collection method: clinical testing. Allele origin: germline. Affected: yes.
Comment: Has not been previously published as pathogenic or benign to our knowledge; Frameshift variant predicted to result in protein truncation or nonsense mediated decay in a gene for which loss of function is a known mechanism of disease; Not observed at significant frequency in large population cohorts (gnomAD)

Labcorp Genetics (formerly Invitae), Labcorp
Classification: Pathogenic for Bethlem myopathy 2; Ullrich congenital muscular dystrophy 2. Last evaluated: 2024-07-24. Review status: criteria provided, single submitter. Criteria: Invitae Variant Classification Sherloc (09022015). Collection method: clinical testing. Allele origin: germline.
Comment: This sequence change creates a premature translational stop signal (p.Phe2453Serfs*5) in the COL12A1 gene. It is expected to result in an absent or disrupted protein product. Loss-of-function variants in COL12A1 are known to be pathogenic (PMID: 24334604, 28973083). This variant is present in population databases (no rsID available, gnomAD 0.007%). This variant has not been reported in the literature in individuals affected with COL12A1-related conditions. ClinVar contains an entry for this variant (Variation ID: 960454). For these reasons, this variant has been classified as Pathogenic.

Revvity Omics, Revvity
Classification: Pathogenic. Last evaluated: 2019-09-19. Review status: criteria provided, single submitter. Criteria: ACMG Guidelines, 2015. Collection method: clinical testing. Allele origin: germline.

Literature cited by the submitters: PubMed 24334604 (cited by Labcorp Genetics (formerly Invitae), Labcorp); PubMed 28973083 (cited by Labcorp Genetics (formerly Invitae), Labcorp).

NM_004370.5(COL12A1):c.7356del

Gene: COL12A1 (collagen type XII alpha 1 chain; minus strand). Cytogenetic location: 6q13.
Variant type: Deletion.
Coding change: c.7356del on transcript NM_004370.5; coding-DNA position 7356, one base deleted (G; older notation c.7356delG).
Genome position (GRCh38, 1-based): chr6:75,117,545, C deleted on the plus strand (G on the coding strand, the reverse complement: COL12A1 is on the minus strand); the first of 3 consecutive C bases (chr6:75,117,545-75,117,547); deleting any one gives the same sequence. VCF-style (leftmost placement, unchanged base first): chr6-75117544-AC-A. GRCh37 (hg19) VCF-style: chr6-75827260-AC-A.
Other names: c.7356delG (NM_004370.5).
Identifiers: ClinVar variation 960454 (VCV000960454.20), dbSNP rs1473576494, ClinGen allele CA568126271.